The following is an entry in ClinVar:

ClinVar aggregate classification (germline): Uncertain significance (1 of 4 stars; one submission).

Conditions:
Norman-Roberts syndrome (LIS2). Also called: Lissencephaly 2 (Norman-Roberts type). Identifiers: Orphanet 89844, MedGen C0796089, MONDO:0009760, OMIM 257320.
Familial temporal lobe epilepsy 7. Identifiers: Orphanet 101046, MedGen C4225327, MONDO:0014639, OMIM 616436.

Submission:

Labcorp Genetics (formerly Invitae), Labcorp
Classification: Uncertain significance for Familial temporal lobe epilepsy 7; Norman-Roberts syndrome. Last evaluated: 2025-08-20. Review status: criteria provided, single submitter. Criteria: Invitae Variant Classification Sherloc (09022015). Collection method: clinical testing. Allele origin: germline.
Comment: This sequence change replaces aspartic acid, which is acidic and polar, with alanine, which is neutral and non-polar, at codon 2390 of the RELN protein (p.Asp2390Ala). This variant is not present in population databases (gnomAD no frequency). This variant has not been reported in the literature in individuals affected with RELN-related conditions. Invitae Evidence Modeling of protein sequence and biophysical properties (such as structural, functional, and spatial information, amino acid conservation, physicochemical variation, residue mobility, and thermodynamic stability) indicates that this missense variant is not expected to disrupt RELN protein function with a negative predictive value of 80%. In summary, the available evidence is currently insufficient to determine the role of this variant in disease. Therefore, it has been classified as a Variant of Uncertain Significance.

NM_005045.4(RELN):c.7169A>C (p.Asp2390Ala)

Gene: RELN (reelin; minus strand). Cytogenetic location: 7q22.1.
Variant type: single nucleotide variant.
Coding change: c.7169A>C on transcript NM_005045.4 (MANE Select); coding-DNA position 7169, A replaced by C.
Protein change: p.Asp2390Ala; replaces aspartic acid 2390 with alanine.
Molecular consequence: missense variant.
Genome position (GRCh38, 1-based): chr7:103,539,089, T>G on the plus strand (A>C on the coding strand, the complement: RELN is on the minus strand). VCF-style: chr7-103539089-T-G. GRCh37 (hg19) VCF-style: chr7-103179536-T-G.
Other names: c.7169A>C, p.Asp2390Ala (NM_173054.3); short protein forms D2390A.
Identifiers: ClinVar variation 4791311 (VCV004791311.1).
Genomic context (GRCh38, chr7:103,539,089, plus strand): 5'-AAGCTCATGCCCACATGCCTGTCCCTCTATCTGGAGACGGCATACTCACCATAACAAGAG[T>G]CTGTGACTGAGCAGGAGGCAGCGAAGTCTATCTGTAGGAAGGAATCCTCATTCACGGCAA-3'
Protein context (NP_005036.2, residues 2380-2400): IDFAASCSVT[Asp2390Ala]SCYAIELEYS